The following is an entry in ClinVar:

ClinVar aggregate classification (germline): Conflicting classifications of pathogenicity. Review status: criteria provided, conflicting classifications (1 of 4 stars). 3 submissions from 3 submitters: Uncertain significance (1); Likely benign (2). Last evaluated 2025-06-19.

Conditions:
MYO15A-related disorder. Also called: MYO15A-related condition.
Inborn genetic diseases. Identifiers: MedGen C0950123, MeSH D030342.

Allele frequency attached by ClinVar (database versions not stated): gnomAD exomes 0.00003; gnomAD 0.00004; TOPMed 0.00004; ExAC 0.00008.

Submissions (3):

PreventionGenetics, part of Exact Sciences
Classification: Uncertain significance for MYO15A-related condition. Last evaluated: 2025-06-19. Review status: criteria provided, single submitter. Criteria: ACMG Guidelines, 2015. Collection method: clinical testing. Allele origin: germline.
Comment: The MYO15A c.4858G>A variant is predicted to result in the amino acid substitution p.Val1620Ile. To our knowledge, this variant has not been reported in the literature. This variant is reported in 0.025% of alleles in individuals of Latino descent in gnomAD. At this time, the clinical significance of this variant is uncertain due to the absence of conclusive functional and genetic evidence.

Ambry Genetics
Classification: Likely benign for Inborn genetic diseases. Last evaluated: 2024-12-03. Review status: criteria provided, single submitter. Criteria: Ambry Variant Classification Scheme 2023. Collection method: clinical testing. Allele origin: germline.

Labcorp Genetics (formerly Invitae), Labcorp
Classification: Likely benign. Last evaluated: 2024-03-12. Review status: criteria provided, single submitter. Criteria: Invitae Variant Classification Sherloc (09022015). Collection method: clinical testing. Allele origin: germline.

NM_016239.4(MYO15A):c.4858G>A (p.Val1620Ile)

Gene: MYO15A (myosin XVA; plus strand). Cytogenetic location: 17p11.2.
Variant type: single nucleotide variant.
Coding change: c.4858G>A on transcript NM_016239.4 (MANE Select); coding-DNA position 4858, G replaced by A.
Protein change: p.Val1620Ile; replaces valine 1620 with isoleucine.
Molecular consequence: missense variant.
Genome position (GRCh38, 1-based): chr17:18,137,662, G>A. VCF-style: chr17-18137662-G-A. GRCh37 (hg19) VCF-style: chr17-18040976-G-A.
Other names: c.4858G>A (NM_016239.3); short protein forms V1620I.
Identifiers: ClinVar variation 2415782 (VCV002415782.7), dbSNP rs750801588, ClinGen allele CA8424054.